The following is an entry in ClinVar:

ClinVar aggregate classification (germline): Uncertain significance (1 of 4 stars; one submission).

Conditions:
Hereditary cancer-predisposing syndrome. Also called: Neoplastic Syndromes, Hereditary; Tumor predisposition; Hereditary neoplastic syndrome; Hereditary Cancer Syndrome. Identifiers: Orphanet 140162, MedGen C0027672, MeSH D009386, MONDO:0015356.

Submission:

Ambry Genetics
Classification: Uncertain significance for Hereditary cancer-predisposing syndrome. Last evaluated: 2018-06-28. Review status: criteria provided, single submitter. Criteria: Ambry Variant Classification Scheme 2023. Collection method: clinical testing. Allele origin: germline.
Comment: The p.P1848L variant (also known as c.5543C>T), located in coding exon 15 of the APC gene, results from a C to T substitution at nucleotide position 5543. The proline at codon 1848 is replaced by leucine, an amino acid with similar properties. This amino acid position is highly conserved in available vertebrate species. In addition, in silico predictors for this gene do not accurately predict pathogenicity. Since supporting evidence is limited at this time, the clinical significance of this alteration remains unclear.

NM_000038.6(APC):c.5543C>T (p.Pro1848Leu)

Gene: APC (APC regulator of Wnt signaling pathway; plus strand). Cytogenetic location: 5q22.2.
Variant type: single nucleotide variant.
Coding change: c.5543C>T on transcript NM_000038.6 (MANE Select); coding-DNA position 5543, C replaced by T.
Protein change: p.Pro1848Leu; replaces proline 1848 with leucine.
Molecular consequence: missense variant.
Genome position (GRCh38, 1-based): chr5:112,841,137, C>T. VCF-style: chr5-112841137-C-T. GRCh37 (hg19) VCF-style: chr5-112176834-C-T.
Other names: c.5543C>T, p.Pro1848Leu (NM_001127510.3, NM_001354895.2); c.5489C>T, p.Pro1830Leu (NM_001127511.3); c.5597C>T, p.Pro1866Leu (NM_001354896.2); c.5573C>T, p.Pro1858Leu (NM_001354897.2); c.5468C>T, p.Pro1823Leu (NM_001354898.2); c.5459C>T, p.Pro1820Leu (NM_001354899.2); c.5420C>T, p.Pro1807Leu (NM_001354900.2); c.5366C>T, p.Pro1789Leu (NM_001354901.2); and 5 more; short protein forms P1688L, P1747L, P1789L, P1823L, P1830L, P1858L, P1722L, P1757L.
Identifiers: ClinVar variation 825818 (VCV000825818.4), dbSNP rs746943534, ClinGen allele CA16033460.
Genomic context (GRCh38, chr5:112,841,137, plus strand): 5'-CAAATAATGAAGATAGAGTCAGAGGAAGTTTTGCTTTTGATTCACCTCATCATTACACGC[C>T]TATTGAAGGAACTCCTTACTGTTTTTCACGAAATGATTCTTTGAGTTCTCTAGATTTTGA-3'
Protein context (NP_000029.2, residues 1838-1858): FAFDSPHHYT[Pro1848Leu]IEGTPYCFSR